The following is an entry in ClinVar:

ClinVar aggregate classification (germline): Uncertain significance (1 of 4 stars; one submission).

Submission:

GeneDx
Classification: Uncertain significance. Last evaluated: 2024-04-17. Review status: criteria provided, single submitter. Criteria: GeneDx Variant Classification Process June 2021. Collection method: clinical testing. Allele origin: germline. Affected: yes.
Comment: Not observed at significant frequency in large population cohorts (gnomAD); In-frame duplication of 1 amino acid in a repetitive region with no known function; Has not been previously published as pathogenic or benign to our knowledge

NM_002516.4(NOVA2):c.1032GCC[4] (p.Pro350_Gly351insPro)

Gene: NOVA2 (NOVA alternative splicing regulator 2; minus strand). Cytogenetic location: 19q13.32.
Variant type: Microsatellite.
Coding change: c.1032GCC[4] on transcript NM_002516.4 (MANE Select); four copies in a row of the 3-base unit GCC starting at c.1032; the reference has three copies in a row; one copy, 3 bases duplicated.
Protein change: p.Pro350_Gly351insPro.
Genome position (GRCh38, 1-based): chr19:45,940,302-45,940,304, GGC duplicated on the plus strand (GCC on the coding strand, the reverse complement: NOVA2 is on the minus strand); duplicating any 3 consecutive bases within chr19:45,940,302-45,940,312 gives the same sequence; the position shown is the placement nearest the transcript's 3' end. VCF-style (leftmost placement, unchanged base first): chr19-45940301-G-GGGC. GRCh37 (hg19) VCF-style: chr19-46443559-G-GGGC.
Identifiers: ClinVar variation 3372732 (VCV003372732.1).